The following is an entry in ClinVar:

NM_001081.4(CUBN):c.9340G>A (p.Gly3114Ser)

Gene: CUBN (cubilin; minus strand). Cytogenetic location: 10p13.
Variant type: single nucleotide variant.
Coding change: c.9340G>A on transcript NM_001081.4 (MANE Select); coding-DNA position 9340, G replaced by A.
Protein change: p.Gly3114Ser; replaces glycine 3114 with serine.
Molecular consequence: missense variant.
Genome position (GRCh38, 1-based): chr10:16,869,750, C>T on the plus strand (G>A on the coding strand, the complement: CUBN is on the minus strand). VCF-style: chr10-16869750-C-T. GRCh37 (hg19) VCF-style: chr10-16911749-C-T.
Other names: p.Gly3114Ser; short protein forms G3114S.
Identifiers: ClinVar variation 439584 (VCV000439584.51), dbSNP rs117035284, ClinGen allele CA5422729.
Genomic context (GRCh38, chr10:16,869,750, plus strand): 5'-TCTTGAACACCAGGAGCATACTATTATTGCTGCTCTTCACATTTGGTGGGCGCTTGGAAC[C>T]GCAGAATTTGCCAAGAAGGGGATCGCTGGTATTGGCACCATCGTAAATTGCCAGGTAGTC-3'
Protein context (NP_001072.2, residues 3104-3124): TSDPLLGKFC[Gly3114Ser]SKRPPNVKSS

ClinVar aggregate classification (germline): Benign/Likely benign. Review status: criteria provided, multiple submitters, no conflicts (2 of 4 stars). 7 submissions from 7 submitters: Benign (4); Likely benign (3). Last evaluated 2026-01-16.

Conditions:
Imerslund-Grasbeck syndrome type 1 (IGS1). Also called: Imerslund-Gräsbeck syndrome 1; MEGALOBLASTIC ANEMIA, 1; Megaloblastic anemia 1, Finnish type. Identifiers: MedGen C4016819, MONDO:0100156, OMIM 261100.
Imerslund-Grasbeck syndrome. Also called: Imerslund-Gräsbeck syndrome; Megaloblastic anemia due to inborn errors of metabolism; PERNICIOUS ANEMIA, JUVENILE, DUE TO SELECTIVE INTESTINAL MALABSORPTION OF VITAMIN B12, WITH PROTEINURIA; ENTEROCYTE COBALAMIN MALABSORPTION; ENTEROCYTE INTRINSIC FACTOR RECEPTOR, DEFECT OF. Identifiers: Orphanet 35858, MedGen C4551825, MONDO:0009853.

Allele frequency attached by ClinVar (database versions not stated): 1000 Genomes Project 0.00200; 1000 Genomes Project 30x 0.00234; gnomAD 0.00516 and 0.00531; ESP Exome Variant Server 0.00531; TOPMed 0.00532.
gnomAD v4.1: 12,288 of 1,613,950 alleles (0.76%); highest among the groups gnomAD compares: Non-Finnish European, 0.93%; 67 homozygotes.

Submissions (12):

Labcorp Genetics (formerly Invitae), Labcorp
Classification: Benign for Imerslund-Grasbeck syndrome. Last evaluated: 2026-01-16. Review status: criteria provided, single submitter. Criteria: Invitae Variant Classification Sherloc (09022015). Collection method: clinical testing. Allele origin: germline.

CeGaT Center for Human Genetics Tuebingen
Classification: Likely benign. Last evaluated: 2025-09-01. Review status: criteria provided, single submitter. Criteria: CeGaT Center For Human Genetics Tuebingen Variant Classification Criteria Version 2. Collection method: clinical testing. Allele origin: germline. Affected: yes. Observed: 9 variant alleles.
Comment: CUBN: BP4, BS2

Mayo Clinic Laboratories, Mayo Clinic
Classification: Benign. Last evaluated: 2024-07-16. Review status: criteria provided, single submitter. Criteria: ACMG Guidelines, 2015. Collection method: clinical testing. Allele origin: germline. Observed: 2 variant alleles.
Comment: BS1, BS2

ARUP Laboratories, Molecular Genetics and Genomics, ARUP Laboratories
Classification: Benign. Last evaluated: 2022-09-13. Review status: criteria provided, single submitter. Criteria: ARUP Molecular Germline Variant Investigation Process 2021. Collection method: clinical testing. Allele origin: germline.

GeneDx
Classification: Likely benign. Last evaluated: 2020-10-13. Review status: criteria provided, single submitter. Criteria: GeneDx Variant Classification Process June 2021. Collection method: clinical testing. Allele origin: germline. Affected: yes.

Illumina Laboratory Services, Illumina
Classification: Benign for Imerslund-Grasbeck syndrome type 1. Last evaluated: 2017-05-15. Review status: criteria provided, single submitter. Criteria: ICSL Variant Classification Criteria 13 December 2019. Collection method: clinical testing. Allele origin: germline.
Comment: This variant was observed as part of a predisposition screen in an ostensibly healthy population. A literature search was performed for the gene, cDNA change, and amino acid change (where applicable). Publications were found based on this search. The evidence from the literature, in combination with allele frequency data from public databases where available, was sufficient to rule this variant out of causing disease. Therefore, this variant is classified as benign.

Breakthrough Genomics
Classification: Likely benign. Review status: criteria provided, single submitter. Criteria: ACMG Guidelines, 2015. Collection method: not provided. Allele origin: germline. Inheritance: Autosomal recessive inheritance. Affected: yes.

Dr. Peter K. Rogan Lab, Western University
No classification provided (evidence only). Condition: Lung cancer. Review status: no classification provided. Collection method: in vitro. Allele origin: not applicable. Functional consequence: retained intron. Not counted in ClinVar's aggregate classification.

Dr. Peter K. Rogan Lab, Western University
No classification provided (evidence only). Condition: Lung cancer. Review status: no classification provided. Collection method: in vitro. Allele origin: not applicable. Functional consequence: retained intron. Not counted in ClinVar's aggregate classification.

Dr. Peter K. Rogan Lab, Western University
No classification provided (evidence only). Condition: Sarcoma. Review status: no classification provided. Collection method: in vitro. Allele origin: not applicable. Functional consequence: retained intron. Not counted in ClinVar's aggregate classification.

Dr. Peter K. Rogan Lab, Western University
No classification provided (evidence only). Condition: Ovarian serous cystadenocarcinoma. Review status: no classification provided. Collection method: in vitro. Allele origin: not applicable. Functional consequence: retained intron. Not counted in ClinVar's aggregate classification.

Dr. Peter K. Rogan Lab, Western University
No classification provided (evidence only). Condition: Gastric cancer. Review status: no classification provided. Collection method: in vitro. Allele origin: not applicable. Functional consequence: retained intron. Not counted in ClinVar's aggregate classification.

Literature cited by the submitters: PubMed 22277662 (cited by Mayo Clinic Laboratories, Mayo Clinic and Illumina Laboratory Services, Illumina); PubMed 31308072 (cited by Mayo Clinic Laboratories, Mayo Clinic); PubMed 35460704 (cited by Mayo Clinic Laboratories, Mayo Clinic).